The following is an entry in ClinVar:

NM_003482.4(KMT2D):c.10508-3C>T

Gene: KMT2D (lysine methyltransferase 2D; minus strand). Cytogenetic location: 12q13.12.
Variant type: single nucleotide variant.
Coding change: c.10508-3C>T on transcript NM_003482.4 (MANE Select); 3 bases into the intron before coding-DNA position 10508, C replaced by T.
Molecular consequence: intron variant.
Genome position (GRCh38, 1-based): chr12:49,034,302, G>A on the plus strand (C>T on the coding strand, the complement: KMT2D is on the minus strand). VCF-style: chr12-49034302-G-A. GRCh37 (hg19) VCF-style: chr12-49428085-G-A.
Other names: c.10508-3C>T (NM_003482.3).
Identifiers: ClinVar variation 3009880 (VCV003009880.4), dbSNP rs2120455428, ClinGen allele CA2726160246.

ClinVar aggregate classification (germline): Conflicting classifications of pathogenicity. Review status: criteria provided, conflicting classifications (1 of 4 stars). 2 submissions from 2 submitters: Uncertain significance (1); Likely benign (1). Last evaluated 2024-06-03.

Conditions:
Kabuki syndrome. Also called: Kabuki make-up syndrome; NIIKAWA-KUROKI SYNDROME. Identifiers: Orphanet 2322, MedGen C0796004, MONDO:0016512.
Inborn genetic diseases. Identifiers: MedGen C0950123, MeSH D030342.

Submissions (2):

Ambry Genetics
Classification: Uncertain significance for Inborn genetic diseases. Last evaluated: 2024-06-03. Review status: criteria provided, single submitter. Criteria: Ambry Variant Classification Scheme 2023. Collection method: clinical testing. Allele origin: germline.
Comment: The c.10508-3C>T intronic alteration consists of a C to T substitution 3 nucleotides before coding exon 38 in the KMT2D gene. Based on insufficient or conflicting evidence, the clinical significance of this alteration remains unclear.

Labcorp Genetics (formerly Invitae), Labcorp
Classification: Likely benign for Kabuki syndrome. Last evaluated: 2023-10-11. Review status: criteria provided, single submitter. Criteria: Invitae Variant Classification Sherloc (09022015). Collection method: clinical testing. Allele origin: germline.